The following is an entry in ClinVar:

NM_144701.3(IL23R):c.59G>T (p.Trp20Leu)

Gene: IL23R (interleukin 23 receptor; plus strand). Cytogenetic location: 1p31.3.
Variant type: single nucleotide variant.
Coding change: c.59G>T on transcript NM_144701.3 (MANE Select); coding-DNA position 59, G replaced by T.
Protein change: p.Trp20Leu; replaces tryptophan 20 with leucine.
Molecular consequence: missense variant.
Genome position (GRCh38, 1-based): chr1:67,168,179, G>T. VCF-style: chr1-67168179-G-T. GRCh37 (hg19) VCF-style: chr1-67633862-G-T.
Other names: short protein forms W20L.
Identifiers: ClinVar variation 1917576 (VCV001917576.5), dbSNP rs765086515, ClinGen allele CA340731863.

ClinVar aggregate classification (germline): Uncertain significance (1 of 4 stars; one submission).

gnomAD v4.1: 30 of 1,607,414 alleles (0.0019%); highest among the groups gnomAD compares: Non-Finnish European, 0.0024%; no homozygotes.

Submission:

Labcorp Genetics (formerly Invitae), Labcorp
Classification: Uncertain significance. Last evaluated: 2023-07-17. Review status: criteria provided, single submitter. Criteria: Invitae Variant Classification Sherloc (09022015). Collection method: clinical testing. Allele origin: germline.
Comment: In summary, the available evidence is currently insufficient to determine the role of this variant in disease. Therefore, it has been classified as a Variant of Uncertain Significance. An algorithm developed to predict the effect of missense changes on protein structure and function (PolyPhen-2) suggests that this variant is likely to be disruptive. ClinVar contains an entry for this variant (Variation ID: 1917576). This variant has not been reported in the literature in individuals affected with IL23R-related conditions. This variant is not present in population databases (gnomAD no frequency). This sequence change replaces tryptophan, which is neutral and slightly polar, with leucine, which is neutral and non-polar, at codon 20 of the IL23R protein (p.Trp20Leu).